The following is an entry in ClinVar:

GRCh38/hg38 3q29(chr3:195711798-197976152)x3

Genes: MUC20 (mucin 20, cell surface associated), MUC4 (mucin 4, cell surface associated), NCBP2 (nuclear cap binding protein subunit 2; minus strand), NCBP2-AS1 (NCBP2 antisense RNA 1; plus strand), NCBP2AS2 (NCBP2 antisense 2 (head to head); plus strand) and 164 more. Cytogenetic location: 3q29.
Variant type: copy number gain.
Change: copy number 3 (three copies instead of two) of chr3:195,711,798-197,976,152 (2.26 Mb, GRCh38 coordinates, 1-based), cytogenetic band 3q29.
Identifiers: ClinVar variation 59685 (VCV000059685.1).

ClinVar aggregate classification (germline): Uncertain significance (1 of 4 stars; one submission).

Submission:

ISCA site 17
Classification: Uncertain significance. Last evaluated: 2011-08-12. Review status: criteria provided, single submitter. Criteria: Kaminsky et al. (Genet Med. 2011). Collection method: clinical testing. Allele origin: unknown. Affected: yes. Observed: 1 variant allele.
Comment: Copy number variation identified through the course of routine clinical cytogenomic testing in postnatal populations. Clinical assertions have been curated as described in Kaminsky et al. 2011.